The following is an entry in ClinVar:

NM_001035.3(RYR2):c.13590A>T (p.Gly4530=)

Gene: RYR2 (ryanodine receptor 2; plus strand). Cytogenetic location: 1q43.
Variant type: single nucleotide variant.
Coding change: c.13590A>T on transcript NM_001035.3 (MANE Select); coding-DNA position 13590, A replaced by T.
Protein change: p.Gly4530=; no amino-acid change (glycine 4530 retained).
Molecular consequence: synonymous variant.
Genome position (GRCh38, 1-based): chr1:237,792,131, A>T. VCF-style: chr1-237792131-A-T. GRCh37 (hg19) VCF-style: chr1-237955431-A-T.
Identifiers: ClinVar variation 2908405 (VCV002908405.3), dbSNP rs1658449021, ClinGen allele CA423827173.

ClinVar aggregate classification (germline): Uncertain significance (1 of 4 stars; one submission).

Conditions:
Catecholaminergic polymorphic ventricular tachycardia 1. Also called: VENTRICULAR TACHYCARDIA, STRESS-INDUCED POLYMORPHIC 1; VENTRICULAR TACHYCARDIA, CATECHOLAMINERGIC POLYMORPHIC, 1, WITH OR WITHOUT ATRIAL DYSFUNCTION AND/OR DILATED CARDIOMYOPATHY; RYR2-Related Catecholaminergic Polymorphic Ventricular Tachycardia. Identifiers: Orphanet 3286, MedGen C1631597, MONDO:0011484, OMIM 604772.

Allele frequency attached by ClinVar (database versions not stated): gnomAD exomes below 0.00001; TOPMed below 0.00001.
gnomAD v4.1: 2 of 1,603,862 alleles (0.00012%); highest among the groups gnomAD compares: Non-Finnish European, 0.00017%; no homozygotes.

Submission:

Labcorp Genetics (formerly Invitae), Labcorp
Classification: Uncertain significance for Catecholaminergic polymorphic ventricular tachycardia 1. Last evaluated: 2023-01-21. Review status: criteria provided, single submitter. Criteria: Invitae Variant Classification Sherloc (09022015). Collection method: clinical testing. Allele origin: germline.
Comment: In summary, the available evidence is currently insufficient to determine the role of this variant in disease. Therefore, it has been classified as a Variant of Uncertain Significance. Algorithms developed to predict the effect of sequence changes on RNA splicing suggest that this variant may create or strengthen a splice site. This variant has not been reported in the literature in individuals affected with RYR2-related conditions. This variant is not present in population databases (gnomAD no frequency). This sequence change affects codon 4530 of the RYR2 mRNA. It is a 'silent' change, meaning that it does not change the encoded amino acid sequence of the RYR2 protein.